The following is an entry in ClinVar:

NM_005359.6(SMAD4):c.667+10A>G

Gene: SMAD4 (SMAD family member 4; plus strand). Cytogenetic location: 18q21.2.
Variant type: single nucleotide variant.
Coding change: c.667+10A>G on transcript NM_005359.6 (MANE Select); 10 bases into the intron after coding-DNA position 667, A replaced by G.
Molecular consequence: intron variant.
Genome position (GRCh38, 1-based): chr18:51,055,003, A>G. VCF-style: chr18-51055003-A-G. GRCh37 (hg19) VCF-style: chr18-48581373-A-G.
Identifiers: ClinVar variation 560837 (VCV000560837.14), dbSNP rs200331016, ClinGen allele CA8965862.
Genomic context (GRCh38, chr18:51,055,003, plus strand): 5'-CTAATGCTACCAGCACTGCCAACTTTCCCAACATTCCTGTGGCTTCCACAAGTGAGTTCT[A>G]GAATCAGATGTAGTCAGCAAGTTGAGTTTTCCTAATCATTGCTTATTTATGTGTAGTCAC-3'

ClinVar aggregate classification (germline): Likely benign. Review status: criteria provided, multiple submitters, no conflicts (2 of 4 stars). 4 submissions from 4 submitters: Likely benign (4). Last evaluated 2025-07-23.

Conditions:
Juvenile polyposis syndrome (JPS). Identifiers: Orphanet 2929, MedGen C0345893, MONDO:0017380, OMIM 174900.
Hereditary cancer-predisposing syndrome. Also called: Hereditary neoplastic syndrome; Tumor predisposition; Neoplastic Syndromes, Hereditary; Hereditary Cancer Syndrome. Identifiers: Orphanet 140162, MedGen C0027672, MeSH D009386, MONDO:0015356.
Juvenile polyposis/hereditary hemorrhagic telangiectasia syndrome (JPHT). Also called: Juvenile Polyposis Syndrome / Hereditary Hemorrhagic Telangiectasia (JPS/HHT); JP/HHT SYNDROME; JUVENILE POLYPOSIS WITH HEREDITARY HEMORRHAGIC TELANGIECTASIA; POLYPOSIS, GENERALIZED JUVENILE, WITH PULMONARY ARTERIOVENOUS MALFORMATION; TELANGIECTASIA, HEREDITARY HEMORRHAGIC, WITH JUVENILE POLYPOSIS COLI. Identifiers: Orphanet 2929, MedGen C1832942, MONDO:0008278, OMIM 175050.

Allele frequency attached by ClinVar (database versions not stated): gnomAD exomes below 0.00001; ExAC 0.00001; gnomAD 0.00001.
gnomAD v4.1: 4 of 1,599,072 alleles (0.00025%); highest among the groups gnomAD compares: South Asian, 0.0022%; no homozygotes.

Submissions (4):

Labcorp Genetics (formerly Invitae), Labcorp
Classification: Likely benign for Juvenile polyposis syndrome. Last evaluated: 2025-07-23. Review status: criteria provided, single submitter. Criteria: Invitae Variant Classification Sherloc (09022015). Collection method: clinical testing. Allele origin: germline.

Myriad Genetics, Inc.
Classification: Likely benign for Juvenile polyposis/hereditary hemorrhagic telangiectasia syndrome. Last evaluated: 2025-03-19. Review status: criteria provided, single submitter. Criteria: Myriad Autosomal Dominant, Autosomal Recessive and X-Linked Classification Criteria (2023). Collection method: clinical testing. Allele origin: unknown.
Comment: This variant is considered likely benign. This variant is intronic and is not expected to impact mRNA splicing.

Color Diagnostics, LLC DBA Color Health
Classification: Likely benign for Hereditary cancer-predisposing syndrome. Last evaluated: 2018-12-03. Review status: criteria provided, single submitter. Criteria: ACMG Guidelines, 2015. Collection method: clinical testing. Allele origin: germline.

PreventionGenetics, part of Exact Sciences
Classification: Likely benign. Last evaluated: 2017-11-02. Review status: criteria provided, single submitter. Criteria: ACMG Guidelines, 2015. Collection method: clinical testing. Allele origin: germline.